The following is an entry in ClinVar:

ClinVar aggregate classification (germline): Pathogenic (1 of 4 stars; one submission).

Conditions:
Bardet-Biedl syndrome (BBS). Identifiers: Orphanet 110, MedGen C0752166, MONDO:0015229.

Allele frequency attached by ClinVar (database versions not stated): gnomAD 0.00001.

Submission:

Labcorp Genetics (formerly Invitae), Labcorp
Classification: Pathogenic for Bardet-Biedl syndrome. Last evaluated: 2022-08-19. Review status: criteria provided, single submitter. Criteria: Invitae Variant Classification Sherloc (09022015). Collection method: clinical testing. Allele origin: germline.
Comment: This variant has not been reported in the literature in individuals affected with BBS10-related conditions. This variant is not present in population databases (gnomAD no frequency). This sequence change creates a premature translational stop signal (p.Tyr613*) in the BBS10 gene. While this is not anticipated to result in nonsense mediated decay, it is expected to disrupt the last 111 amino acid(s) of the BBS10 protein. ClinVar contains an entry for this variant (Variation ID: 1444742). For these reasons, this variant has been classified as Pathogenic. This variant disrupts a region of the BBS10 protein in which other variant(s) (p.Val707*) have been determined to be pathogenic (PMID: 20472660, 22773737, 25982971, 27486776). This suggests that this is a clinically significant region of the protein, and that variants that disrupt it are likely to be disease-causing.

Literature cited by the submitters: PubMed 20472660; PubMed 22773737; PubMed 25982971; PubMed 27486776.

NM_024685.4(BBS10):c.1839T>A (p.Tyr613Ter)

Gene: BBS10 (Bardet-Biedl syndrome 10; minus strand). Cytogenetic location: 12q21.2.
Variant type: single nucleotide variant.
Coding change: c.1839T>A on transcript NM_024685.4 (MANE Select); coding-DNA position 1839, T replaced by A.
Protein change: p.Tyr613Ter; replaces tyrosine 613 with a stop codon.
Molecular consequence: nonsense.
Genome position (GRCh38, 1-based): chr12:76,346,146, A>T on the plus strand (T>A on the coding strand, the complement: BBS10 is on the minus strand). VCF-style: chr12-76346146-A-T. GRCh37 (hg19) VCF-style: chr12-76739926-A-T.
Other names: short protein forms Y613*.
Identifiers: ClinVar variation 1444742 (VCV001444742.8), dbSNP rs1951755742, ClinGen allele CA385809627.